The following is an entry in ClinVar:

NM_000016.6(ACADM):c.657T>C (p.Phe219=)

Gene: ACADM (acyl-CoA dehydrogenase medium chain; plus strand). Cytogenetic location: 1p31.1.
Variant type: single nucleotide variant.
Coding change: c.657T>C on transcript NM_000016.6 (MANE Select); coding-DNA position 657, T replaced by C.
Protein change: p.Phe219=; no amino-acid change (phenylalanine 219 retained).
Molecular consequence: synonymous variant.
Genome position (GRCh38, 1-based): chr1:75,745,863, T>C. VCF-style: chr1-75745863-T-C. GRCh37 (hg19) VCF-style: chr1-76211548-T-C.
Other names: c.669T>C, p.Phe223= (NM_001127328.3); c.549T>C, p.Phe183= (NM_001286042.2); c.756T>C, p.Phe252= (NM_001286043.2); c.90T>C, p.Phe30= (NM_001286044.2).
Identifiers: ClinVar variation 681601 (VCV000681601.20), dbSNP rs758331876, ClinGen allele CA913166.

ClinVar aggregate classification (germline): Likely benign. Review status: criteria provided, multiple submitters, no conflicts (2 of 4 stars). 7 submissions from 7 submitters: Likely benign (5). 2 of the submissions do not count toward it. Last evaluated 2026-01-31.

Conditions:
Inborn genetic diseases. Identifiers: MedGen C0950123, MeSH D030342.
ACADM-related disorder. Also called: ACADM-related condition.
Medium-chain acyl-coenzyme A dehydrogenase deficiency (ACADMD). Also called: ACADM DEFICIENCY; Medium chain acyl-CoA dehydrogenase deficiency; MCADD; MCAD Deficiency; MCADH DEFICIENCY; CARNITINE DEFICIENCY SECONDARY TO MEDIUM-CHAIN ACYL-CoA DEHYDROGENASE DEFICIENCY. Identifiers: Orphanet 42, MedGen C0220710, MONDO:0008721, OMIM 201450.

Allele frequency attached by ClinVar (database versions not stated): ExAC 0.00002; gnomAD 0.00003; gnomAD exomes 0.00003 and 0.00009; TOPMed 0.00004.
gnomAD v4.1: 149 of 1,613,936 alleles (0.0092%); highest among the groups gnomAD compares: Non-Finnish European, 0.011%; no homozygotes.

Submissions (7):

Labcorp Genetics (formerly Invitae), Labcorp
Classification: Likely benign for Medium-chain acyl-coenzyme A dehydrogenase deficiency. Last evaluated: 2026-01-31. Review status: criteria provided, single submitter. Criteria: Invitae Variant Classification Sherloc (09022015). Collection method: clinical testing. Allele origin: germline.

CeGaT Center for Human Genetics Tuebingen
Classification: Likely benign. Last evaluated: 2025-11-01. Review status: criteria provided, single submitter. Criteria: CeGaT Center For Human Genetics Tuebingen Variant Classification Criteria Version 2. Collection method: clinical testing. Allele origin: germline. Affected: yes. Observed: 1 variant allele.
Comment: ACADM: BP4, BP7

Blueprint Genetics
Classification: Likely benign. Last evaluated: 2024-10-28. Review status: criteria provided, single submitter. Criteria: ACMG Guidelines, 2015. Collection method: clinical testing. Allele origin: germline.

Ambry Genetics
Classification: Likely benign for Inborn genetic diseases. Last evaluated: 2022-09-24. Review status: criteria provided, single submitter. Criteria: Ambry Variant Classification Scheme 2023. Collection method: clinical testing. Allele origin: germline.

GeneDx
Classification: Likely benign. Last evaluated: 2018-04-26. Review status: criteria provided, single submitter. Criteria: GeneDx Variant Classification (06012015). Collection method: clinical testing. Allele origin: germline. Affected: yes.
Comment: This variant is considered likely benign or benign based on one or more of the following criteria: it is a conservative change, it occurs at a poorly conserved position in the protein, it is predicted to be benign by multiple in silico algorithms, and/or has population frequency not consistent with disease.

Natera, Inc.
Classification: Likely benign for Medium-chain acyl-coenzyme a dehydrogenase deficiency. Last evaluated: 2020-09-16. Review status: no assertion criteria provided. Collection method: clinical testing. Allele origin: germline. Not counted in ClinVar's aggregate classification.

PreventionGenetics, part of Exact Sciences
Classification: Likely benign for ACADM-related condition. Last evaluated: 2020-08-14. Review status: no assertion criteria provided. Collection method: clinical testing. Allele origin: germline. Not counted in ClinVar's aggregate classification.
Comment: This variant is classified as likely benign based on ACMG/AMP sequence variant interpretation guidelines (Richards et al. 2015 PMID: 25741868, with internal and published modifications).